The following is an entry in ClinVar:

NM_001129820.2(SLFN14):c.1195C>A (p.Gln399Lys)

Genes: SLFN14 (schlafen family member 14; minus strand), LOC107985033 (uncharacterized LOC107985033; plus strand). Cytogenetic location: 17q12.
Variant type: single nucleotide variant.
Coding change: c.1195C>A on transcript NM_001129820.2 (MANE Select); coding-DNA position 1195, C replaced by A.
Protein change: p.Gln399Lys; replaces glutamine 399 with lysine.
Molecular consequence: missense variant. On other transcripts: non-coding transcript variant (2).
Genome position (GRCh38, 1-based): chr17:35,553,439, G>T on the plus strand (C>A on the coding strand, the complement: SLFN14 is on the minus strand). VCF-style: chr17-35553439-G-T. GRCh37 (hg19) VCF-style: chr17-33880458-G-T.
Other names: short protein forms Q399K.
Identifiers: ClinVar variation 3165966 (VCV003165966.16), dbSNP rs919934942, ClinGen allele CA290055005.

ClinVar aggregate classification (germline): Conflicting classifications of pathogenicity. Review status: criteria provided, conflicting classifications (1 of 4 stars). 3 submissions from 3 submitters: Uncertain significance (2); Likely benign (1). Last evaluated 2026-07-01.

Conditions:
Inborn genetic diseases. Identifiers: MedGen C0950123, MeSH D030342.

Allele frequency attached by ClinVar (database versions not stated): gnomAD 0.00001; TOPMed 0.00002.
gnomAD v4.1: 21 of 1,531,824 alleles (0.0014%); highest among the groups gnomAD compares: Middle Eastern, 0.034%; no homozygotes.

Submissions (3):

CeGaT Center for Human Genetics Tuebingen
Classification: Likely benign. Last evaluated: 2026-07-01. Review status: criteria provided, single submitter. Criteria: CeGaT Center For Human Genetics Tuebingen Variant Classification Criteria Version 2. Collection method: clinical testing. Allele origin: germline. Affected: yes. Observed: 2 variant alleles.
Comment: SLFN14: BP4

Center for Genomic Medicine, Rigshospitalet, Copenhagen University Hospital
Classification: Uncertain significance. Last evaluated: 2025-12-29. Review status: criteria provided, single submitter. Criteria: ACMG Guidelines, 2015. Collection method: clinical testing. Allele origin: germline.
Comment: Classification criteria: PM2_Supporting, BP4

Ambry Genetics
Classification: Uncertain significance for Inborn genetic diseases. Last evaluated: 2024-01-17. Review status: criteria provided, single submitter. Criteria: Ambry Variant Classification Scheme 2023. Collection method: clinical testing. Allele origin: germline.